The following is an entry in ClinVar:

ClinVar aggregate classification (germline): Pathogenic/Likely pathogenic. Review status: criteria provided, multiple submitters, no conflicts (2 of 4 stars). 8 submissions from 7 submitters: Pathogenic (6); Likely pathogenic (1). 1 of the submissions does not count toward it. Last evaluated 2026-05-07.

Conditions:
Low phospholipid associated cholelithiasis (GBD1). Also called: Gallbladder disease 1; Gallstone cholecystitis. Identifiers: Orphanet 69663, MedGen C2609268, MONDO:0010939, OMIM 600803.
ABCB4-related disorder. Also called: ABCB4-related disorders; ABCB4-related condition.
Progressive familial intrahepatic cholestasis type 3. Also called: Low Gamma-GT Familial Intrahepatic Cholestasis; MDR3 DEFICIENCY. Identifiers: Orphanet 79305, MedGen C1865643, MONDO:0011214, OMIM 602347.
Cholestasis, intrahepatic, of pregnancy, 3. Identifiers: Orphanet 69665, MedGen C3554241, MONDO:0013995, OMIM 614972.
Familial intrahepatic cholestasis. Identifiers: Orphanet 284385, MedGen CN296401, MONDO:0017290.

Allele frequency attached by ClinVar (database versions not stated): gnomAD exomes below 0.00001; ExAC 0.00001.
gnomAD v4.1: 7 of 1,614,160 alleles (0.00043%); highest among the groups gnomAD compares: South Asian, 0.0044%; no homozygotes.

Submissions (8):

PreventionGenetics, part of Exact Sciences
Classification: Pathogenic for ABCB4-related condition. Last evaluated: 2026-05-07. Review status: criteria provided, single submitter. Criteria: ACMG Guidelines, 2015. Collection method: clinical testing. Allele origin: germline.
Comment: The ABCB4 c.3136C>T variant is predicted to result in premature protein termination (p.Arg1046*). This variant was reported in the heterozygous state in individuals with cholesterol gallstone disease (Nakken et al. 2009. PubMed ID: 19018976), intrahepatic cholestasis of pregnancy (Turro et al. 2020. PubMed ID: 32581362, Table S2), low phospholipid-associated cholelithiasis (de Vries et al. 2020. PubMed ID: 32893960, Table S1), and chronic liver disease (Nayagam et al. 2022. PubMed ID: 35894240, Table S2). This variant is reported in 0.0033% of alleles in individuals of South Asian descent in gnomAD. Nonsense variants in ABCB4 are expected to be pathogenic. This variant is interpreted as pathogenic.

Genomenon, Inc
Classification: Pathogenic for Familial intrahepatic cholestasis; Low phospholipid associated cholelithiasis. Last evaluated: 2026-04-14. Review status: criteria provided, single submitter. Criteria: Genomenon Sequence Variant Interpretation Standards - Updated. Collection method: curation. Allele origin: germline. Affected: yes.
Comment: ABCB4 p.Arg1046Ter (c.3136C>T) is a nonsense variant that introduces a premature stop codon at amino acid position 1046, creating a truncated protein that is predicted to undergo nonsense-mediated mRNA decay. This variant has been observed in at least one proband with an ABCB4-related disorder (PMID:40200381;39521930;37818704;35288833). It is absent or not present at a significant frequency in gnomAD. In conclusion, we classify ABCB4 p.Arg1046Ter (c.3136C>T) as a pathogenic variant.

Labcorp Genetics (formerly Invitae), Labcorp
Classification: Pathogenic. Last evaluated: 2023-12-09. Review status: criteria provided, single submitter. Criteria: Invitae Variant Classification Sherloc (09022015). Collection method: clinical testing. Allele origin: germline.
Comment: This sequence change creates a premature translational stop signal (p.Arg1046*) in the ABCB4 gene. It is expected to result in an absent or disrupted protein product. Loss-of-function variants in ABCB4 are known to be pathogenic (PMID: 17726488, 25755532). This variant is present in population databases (rs759202962, gnomAD 0.003%). This premature translational stop signal has been observed in individual(s) with ABCB4-related conditions (PMID: 19018976, 32581362, 35288833). ClinVar contains an entry for this variant (Variation ID: 587488). Algorithms developed to predict the effect of sequence changes on RNA splicing suggest that this variant may disrupt the consensus splice site. For these reasons, this variant has been classified as Pathogenic.

Greenwood Genetic Center Diagnostic Laboratories, Greenwood Genetic Center
Classification: Likely pathogenic for ABCB4-related disorder. Last evaluated: 2023-11-22. Review status: criteria provided, single submitter. Criteria: ACMG Guidelines, 2015. Collection method: clinical testing. Allele origin: germline. Affected: yes.
Comment: PVS1, PM2

Genomic Research Center, Shahid Beheshti University of Medical Sciences
Classification: Pathogenic for Progressive familial intrahepatic cholestasis 3. Last evaluated: 2018-08-07. Review status: criteria provided, single submitter. Criteria: ACMG Guidelines, 2015. Collection method: clinical testing. Allele origin: germline. Affected: yes. Observed: 1 variant allele.

Genomic Research Center, Shahid Beheshti University of Medical Sciences
Classification: Pathogenic for Cholecystitis. Last evaluated: 2018-08-07. Review status: criteria provided, single submitter. Criteria: ACMG Guidelines, 2015. Collection method: clinical testing. Allele origin: germline. Affected: yes. Observed: 1 variant allele.

Eurofins Ntd Llc (ga)
Classification: Pathogenic. Last evaluated: 2017-07-10. Review status: criteria provided, single submitter. Criteria: EGL Classification Definitions 2015. Collection method: clinical testing. Allele origin: germline. Observed: 1 variant allele, 1 heterozygote.

NIHR Bioresource Rare Diseases, University of Cambridge
Classification: Likely pathogenic for Cholestasis, intrahepatic, of pregnancy, 3. Review status: no assertion criteria provided. Collection method: research. Allele origin: unknown. Affected: yes. Observed: 2 variant alleles. Not counted in ClinVar's aggregate classification.

Literature cited by the submitters: PubMed 40200381 (cited by Genomenon, Inc); PubMed 39521930 (cited by Genomenon, Inc); PubMed 37818704 (cited by Genomenon, Inc); PubMed 35288833 (cited by Genomenon, Inc and Labcorp Genetics (formerly Invitae), Labcorp); PubMed 17726488 (cited by Labcorp Genetics (formerly Invitae), Labcorp); PubMed 25755532 (cited by Labcorp Genetics (formerly Invitae), Labcorp); PubMed 19018976 (cited by Labcorp Genetics (formerly Invitae), Labcorp and Eurofins Ntd Llc (ga)); PubMed 32581362 (cited by Labcorp Genetics (formerly Invitae), Labcorp and NIHR Bioresource Rare Diseases, University of Cambridge).

NM_000443.4(ABCB4):c.3136C>T (p.Arg1046Ter)

Gene: ABCB4 (ATP binding cassette subfamily B member 4; minus strand). Cytogenetic location: 7q21.12.
Variant type: single nucleotide variant.
Coding change: c.3136C>T on transcript NM_000443.4 (MANE Select); coding-DNA position 3136, C replaced by T.
Protein change: p.Arg1046Ter; replaces arginine 1046 with a stop codon.
Molecular consequence: nonsense.
Genome position (GRCh38, 1-based): chr7:87,408,180, G>A on the plus strand (C>T on the coding strand, the complement: ABCB4 is on the minus strand). VCF-style: chr7-87408180-G-A. GRCh37 (hg19) VCF-style: chr7-87037496-G-A.
Other names: c.3136C>T, p.Arg1046Ter (NM_018849.3); c.2995C>T, p.Arg999Ter (NM_018850.3); c.3136C>T (NM_000443.3); short protein forms R1046*, R999*.
Identifiers: ClinVar variation 587488 (VCV000587488.13), dbSNP rs759202962, ClinGen allele CA4326846.